The following is an entry in ClinVar:

ClinVar aggregate classification (germline): Uncertain significance (1 of 4 stars; one submission).

Submission:

GeneDx
Classification: Uncertain significance. Last evaluated: 2025-07-03. Review status: criteria provided, single submitter. Criteria: GeneDx Variant Classification Process June 2021. Collection method: clinical testing. Allele origin: germline. Affected: yes.
Comment: Not observed at significant frequency in large population cohorts (gnomAD); In silico analysis supports that this missense variant has a deleterious effect on protein structure/function; Has not been previously published as pathogenic or benign to our knowledge

NM_001042424.3(NSD2):c.1481T>C (p.Leu494Pro)

Gene: NSD2 (nuclear receptor binding SET domain protein 2; plus strand). Cytogenetic location: 4p16.3.
Variant type: single nucleotide variant.
Coding change: c.1481T>C on transcript NM_001042424.3 (MANE Select); coding-DNA position 1481, T replaced by C.
Protein change: p.Leu494Pro; replaces leucine 494 with proline.
Molecular consequence: missense variant.
Genome position (GRCh38, 1-based): chr4:1,930,696, T>C. VCF-style: chr4-1930696-T-C. GRCh37 (hg19) VCF-style: chr4-1932423-T-C.
Other names: c.1481T>C, p.Leu494Pro (NM_001440892.1, NM_001440894.1, NM_001440895.1 and 8 more transcripts); c.1580T>C, p.Leu527Pro (NM_001440893.1); c.512T>C, p.Leu171Pro (NM_001440899.1, NM_001440900.1); short protein forms L171P, L494P, L527P.
Identifiers: ClinVar variation 4681056 (VCV004681056.1).